The following is an entry in ClinVar:

NM_005219.5(DIAPH1):c.2543A>G (p.Glu848Gly)

Gene: DIAPH1 (diaphanous related formin 1; minus strand). Cytogenetic location: 5q31.3.
Variant type: single nucleotide variant.
Coding change: c.2543A>G on transcript NM_005219.5 (MANE Select); coding-DNA position 2543, A replaced by G.
Protein change: p.Glu848Gly; replaces glutamic acid 848 with glycine.
Molecular consequence: missense variant.
Genome position (GRCh38, 1-based): chr5:141,534,373, T>C on the plus strand (A>G on the coding strand, the complement: DIAPH1 is on the minus strand). VCF-style: chr5-141534373-T-C. GRCh37 (hg19) VCF-style: chr5-140913940-T-C.
Other names: c.2516A>G, p.Glu839Gly (NM_001079812.3); c.2543A>G, p.Glu848Gly (NM_001314007.2); short protein forms E839G, E848G.
Identifiers: ClinVar variation 2931253 (VCV002931253.3), dbSNP rs2513637559, ClinGen allele CA361587841.
Genomic context (GRCh38, chr5:141,534,373, plus strand): 5'-GTTGGGACCAAGAGATACTCACAGAGATTCTGGGCTGTCTTTGAATCCAACACCTTTAAC[T>C]CTTTTACTTTTTTCTTTTGCACAGATTTCTTTTCTTCTCCACCTTCTTGATCCTTCTTGG-3'
Protein context (NP_005210.3, residues 838-858): KKSVQKKKVK[Glu848Gly]LKVLDSKTAQ

ClinVar aggregate classification (germline): Uncertain significance (1 of 4 stars; one submission).

Conditions:
Progressive microcephaly-seizures-cortical blindness-developmental delay syndrome. Also called: Seizures, cortical blindness, and microcephaly syndrome. Identifiers: Orphanet 477814, MedGen C5567650, MONDO:0014714, OMIM 616632.
Autosomal dominant nonsyndromic hearing loss 1. Also called: KONIGSMARK SYNDROME; DEAFNESS, AUTOSOMAL DOMINANT 1, WITH OR WITHOUT THROMBOCYTOPENIA. Identifiers: Orphanet 90635, MedGen C1852282, MONDO:0007424, OMIM 124900.

Submission:

Labcorp Genetics (formerly Invitae), Labcorp
Classification: Uncertain significance for Progressive microcephaly-seizures-cortical blindness-developmental delay syndrome; Autosomal dominant nonsyndromic hearing loss 1. Last evaluated: 2024-11-05. Review status: criteria provided, single submitter. Criteria: Invitae Variant Classification Sherloc (09022015). Collection method: clinical testing. Allele origin: germline.
Comment: This sequence change replaces glutamic acid, which is acidic and polar, with glycine, which is neutral and non-polar, at codon 848 of the DIAPH1 protein (p.Glu848Gly). This variant is not present in population databases (gnomAD no frequency). This variant has not been reported in the literature in individuals affected with DIAPH1-related conditions. ClinVar contains an entry for this variant (Variation ID: 2931253). An algorithm developed to predict the effect of missense changes on protein structure and function (PolyPhen-2) suggests that this variant is likely to be disruptive. In summary, the available evidence is currently insufficient to determine the role of this variant in disease. Therefore, it has been classified as a Variant of Uncertain Significance.